The following is an entry in ClinVar:

NM_001127453.2(GSDME):c.377A>C (p.Gln126Pro)

Gene: GSDME (gasdermin E; minus strand). Cytogenetic location: 7p15.3.
Variant type: single nucleotide variant.
Coding change: c.377A>C on transcript NM_001127453.2 (MANE Select); coding-DNA position 377, A replaced by C.
Protein change: p.Gln126Pro; replaces glutamine 126 with proline.
Molecular consequence: missense variant. On other transcripts: 5 prime UTR variant (1).
Genome position (GRCh38, 1-based): chr7:24,744,589, T>G on the plus strand (A>C on the coding strand, the complement: GSDME is on the minus strand). VCF-style: chr7-24744589-T-G. GRCh37 (hg19) VCF-style: chr7-24784208-T-G.
Other names: c.-116A>C (NM_001127454.2); c.377A>C, p.Gln126Pro (NM_004403.3); short protein forms Q126P.
Identifiers: ClinVar variation 3102836 (VCV003102836.3), dbSNP rs767437718, ClinGen allele CA4191759.

ClinVar aggregate classification (germline): Uncertain significance. Review status: criteria provided, multiple submitters, no conflicts (2 of 4 stars). 3 submissions from 3 submitters: Uncertain significance (3). Last evaluated 2026-02-12.

Conditions:
GSDME-related disorder. Also called: GSDME-related condition.
Inborn genetic diseases. Identifiers: MedGen C0950123, MeSH D030342.

Allele frequency attached by ClinVar (database versions not stated): TOPMed below 0.00001; ExAC 0.00001.
gnomAD v4.1: 4 of 1,614,214 alleles (0.00025%); highest among the groups gnomAD compares: Non-Finnish European, 0.00034%; no homozygotes.

Submissions (3):

GeneDx
Classification: Uncertain significance. Last evaluated: 2026-02-12. Review status: criteria provided, single submitter. Criteria: GeneDx Variant Classification Process June 2021. Collection method: clinical testing. Allele origin: germline.
Comment: Not observed at significant frequency in large population cohorts (gnomAD); In silico analysis suggests that this missense variant does not alter protein structure/function; Has not been previously published as pathogenic or benign to our knowledge

PreventionGenetics, part of Exact Sciences
Classification: Uncertain significance for GSDME-related condition. Last evaluated: 2025-09-09. Review status: criteria provided, single submitter. Criteria: ACMG Guidelines, 2015. Collection method: clinical testing. Allele origin: germline.
Comment: The GSDME c.377A>C variant is predicted to result in the amino acid substitution p.Gln126Pro. To our knowledge, this variant has not been reported in the literature. This variant is reported in 0.0018% of alleles in individuals of European (Non-Finnish) descent in gnomAD. At this time, the clinical significance of this variant is uncertain due to the absence of conclusive functional and genetic evidence.

Ambry Genetics
Classification: Uncertain significance for Inborn genetic diseases. Last evaluated: 2022-12-19. Review status: criteria provided, single submitter. Criteria: Ambry Variant Classification Scheme 2023. Collection method: clinical testing. Allele origin: germline.